The following is an entry in ClinVar:

ClinVar aggregate classification (germline): Pathogenic (1 of 4 stars; one submission).

Conditions:
Epilepsy, idiopathic generalized, susceptibility to, 13. Also called: EPILEPSY, JUVENILE MYOCLONIC, SUSCEPTIBILITY TO, 5. Identifiers: Orphanet 307, Orphanet 64280, MedGen C4013473, MONDO:0012627, OMIM 611136.
Epilepsy, childhood absence 4 (ECA4). Also called: EPILEPSY, CHILDHOOD ABSENCE, SUSCEPTIBILITY TO, 4. Identifiers: Orphanet 307, MedGen C1970160.
Idiopathic generalized epilepsy. Also called: EIG; Generalised epilepsy. Identifiers: MedGen C0270850, MONDO:0005579, OMIM 600669.

Submission:

Labcorp Genetics (formerly Invitae), Labcorp
Classification: Pathogenic for Epilepsy, childhood absence 4; Epilepsy, idiopathic generalized, susceptibility to, 13; Idiopathic generalized epilepsy. Last evaluated: 2021-10-06. Review status: criteria provided, single submitter. Criteria: Invitae Variant Classification Sherloc (09022015). Collection method: clinical testing. Allele origin: germline.
Comment: For these reasons, this variant has been classified as Pathogenic. This variant has not been reported in the literature in individuals affected with GABRA1-related conditions. This variant is not present in population databases (ExAC no frequency). This sequence change creates a premature translational stop signal (p.Phe272Serfs*16) in the GABRA1 gene. It is expected to result in an absent or disrupted protein product. Loss-of-function variants in GABRA1 are known to be pathogenic (PMID: 16718694).

Literature cited by the submitters: PubMed 16718694.

NM_001127644.2(GABRA1):c.813del (p.Phe272fs)

Gene: GABRA1 (gamma-aminobutyric acid type A receptor subunit alpha1; plus strand). Cytogenetic location: 5q34.
Variant type: Deletion.
Coding change: c.813del on transcript NM_001127644.2 (MANE Select); coding-DNA position 813, one base deleted (C; older notation c.813delC).
Protein change: p.Phe272fs; shifts the reading frame from phenylalanine 272.
Molecular consequence: frameshift variant.
Genome position (GRCh38, 1-based): chr5:161,891,007, C deleted; the last of 2 consecutive C bases (chr5:161,891,006-161,891,007); deleting either gives the same sequence. VCF-style (leftmost placement, unchanged base first): chr5-161891005-TC-T. GRCh37 (hg19) VCF-style: chr5-161318011-TC-T.
Other names: c.813del, p.Phe272fs (NM_000806.5, NM_001127643.2, NM_001127645.2 and 1 more transcripts); short protein forms F272fs.
Identifiers: ClinVar variation 1414135 (VCV001414135.6), dbSNP rs2113446665, ClinGen allele CA2573139342.
Genomic context (GRCh38, chr5:161,891,005, plus strand): 5'-GGCTACTTTGTTATTCAAACATACCTGCCATGCATAATGACAGTGATTCTCTCACAAGTC[TC>T]CTTCTGGCTCAACAGAGAGTCTGTACCAGCAAGAACTGTCTTTGGTAAGTCCCAATCAAG-3'